The following is an entry in ClinVar:

NM_015374.3(SUN2):c.2149C>G (p.His717Asp)

Genes: GTPBP1 (GTP binding protein 1; plus strand), SUN2 (Sad1 and UNC84 domain containing 2; minus strand). Cytogenetic location: 22q13.1.
Variant type: single nucleotide variant.
Coding change: c.2149C>G on transcript NM_015374.3 (MANE Select); coding-DNA position 2149, C replaced by G.
Protein change: p.His717Asp; replaces histidine 717 with aspartic acid.
Molecular consequence: missense variant.
Genome position (GRCh38, 1-based): chr22:38,736,272, G>C on the plus strand (C>G on the coding strand, the complement: SUN2 is on the minus strand). VCF-style: chr22-38736272-G-C. GRCh37 (hg19) VCF-style: chr22-39132277-G-C.
Other names: c.2212C>G, p.His738Asp (NM_001199579.2, NM_001394428.1); c.2149C>G, p.His717Asp (NM_001199580.2, NM_001394432.1, NM_001394433.1 and 2 more transcripts); c.2242C>G, p.His748Asp (NM_001394427.1); c.2194C>G, p.His732Asp (NM_001394429.1, NM_001394430.1); c.2146C>G, p.His716Asp (NM_001394436.1, NM_001394437.1); c.2059C>G, p.His687Asp (NM_001394438.1); c.2011C>G, p.His671Asp (NM_001394439.1, NM_001394440.1, NM_001394441.1); c.1750C>G, p.His584Asp (NM_001394442.1); and 2 more; short protein forms H525D, H553D, H671D, H716D, H738D, H732D, H748D, H584D.
Identifiers: ClinVar variation 3716417 (VCV003716417.2).
Genomic context (GRCh38, chr22:38,736,272, plus strand): 5'-CGGGGTGCTGTTCACCCACTCCCAGATGGCTGGCAGCAGGCACCAGTAAGCAGGGCTAGT[G>C]GGCGGGCTCCCCATGCACTCTGAAGCGGTAGATGCAGGTGTACTCGGGGTGGCCCCAGTT-3'
Protein context (NP_056189.1, residues 707-717): YRFRVHGEPA[His717Asp]

ClinVar aggregate classification (germline): Uncertain significance (1 of 4 stars; one submission).

Conditions:
Emery-Dreifuss muscular dystrophy (EDMD). Also called: Scapuloperoneal syndrome, X-linked (formerly); Humeroperoneal neuromuscular disease, (formerly). Identifiers: Orphanet 261, MedGen C0410189, MONDO:0016830.

gnomAD v4.1: 3 of 1,612,444 alleles (0.00019%); highest among the groups gnomAD compares: Non-Finnish European, 0.00025%; no homozygotes.

Submission:

Labcorp Genetics (formerly Invitae), Labcorp
Classification: Uncertain significance for Emery-Dreifuss muscular dystrophy. Last evaluated: 2025-07-06. Review status: criteria provided, single submitter. Criteria: Invitae Variant Classification Sherloc (09022015). Collection method: clinical testing. Allele origin: germline.
Comment: This sequence change replaces histidine, which is basic and polar, with aspartic acid, which is acidic and polar, at codon 717 of the SUN2 protein (p.His717Asp). This variant is present in population databases (no rsID available, gnomAD 0.007%). This variant has not been reported in the literature in individuals affected with SUN2-related conditions. ClinVar contains an entry for this variant (Variation ID: 3716417). An algorithm developed to predict the effect of missense changes on protein structure and function (PolyPhen-2) suggests that this variant is likely to be disruptive. In summary, the available evidence is currently insufficient to determine the role of this variant in disease. Therefore, it has been classified as a Variant of Uncertain Significance.